The following is an entry in ClinVar:

NM_004519.4(KCNQ3):c.1885-110C>T

Gene: KCNQ3 (potassium voltage-gated channel subfamily Q member 3; minus strand). Cytogenetic location: 8q24.22.
Variant type: single nucleotide variant.
Coding change: c.1885-110C>T on transcript NM_004519.4 (MANE Select); 110 bases into the intron before coding-DNA position 1885, C replaced by T.
Molecular consequence: intron variant.
Genome position (GRCh38, 1-based): chr8:132,130,106, G>A on the plus strand (C>T on the coding strand, the complement: KCNQ3 is on the minus strand). VCF-style: chr8-132130106-G-A. GRCh37 (hg19) VCF-style: chr8-133142353-G-A.
Other names: c.1525-110C>T (NM_001204824.2).
Identifiers: ClinVar variation 674991 (VCV000674991.2), dbSNP rs2436132, ClinGen allele CA12798882.
Genomic context (GRCh38, chr8:132,130,106, plus strand): 5'-TCGTTGCTATTGGTTGGGAGGAAATATTCTTTTTTTTTGTTTTTTTTTTTTTTTTGAGAC[G>A]AAGTCTCAGTCTGTCACCCAGGCTGGAGTGCAGTGGCGCGATCTGGGCTCATTGCAACTT-3'

ClinVar aggregate classification (germline): Benign. Review status: criteria provided, multiple submitters, no conflicts (2 of 4 stars). 2 submissions from 2 submitters: Benign (2). Last evaluated 2018-06-14.

Allele frequency attached by ClinVar (database versions not stated): 1000 Genomes Project 30x 0.21533; 1000 Genomes Project 0.21665; TOPMed 0.29028; gnomAD 0.32127.

Submissions (2):

GeneDx
Classification: Benign. Last evaluated: 2018-06-14. Review status: criteria provided, single submitter. Criteria: GeneDx Variant Classification (06012015). Collection method: clinical testing. Allele origin: germline. Affected: yes.
Comment: This variant is considered likely benign or benign based on one or more of the following criteria: it is a conservative change, it occurs at a poorly conserved position in the protein, it is predicted to be benign by multiple in silico algorithms, and/or has population frequency not consistent with disease.

Breakthrough Genomics
Classification: Benign. Review status: criteria provided, single submitter. Criteria: ACMG Guidelines, 2015. Collection method: not provided. Allele origin: germline. Inheritance: Autosomal dominant inheritance. Affected: yes.